The following is an entry in ClinVar:

NM_015557.3(CHD5):c.274G>T (p.Asp92Tyr)

Gene: CHD5 (chromodomain helicase DNA binding protein 5; minus strand). Cytogenetic location: 1p36.31.
Variant type: single nucleotide variant.
Coding change: c.274G>T on transcript NM_015557.3 (MANE Select); coding-DNA position 274, G replaced by T.
Protein change: p.Asp92Tyr; replaces aspartic acid 92 with tyrosine.
Molecular consequence: missense variant.
Genome position (GRCh38, 1-based): chr1:6,159,449, C>A on the plus strand (G>T on the coding strand, the complement: CHD5 is on the minus strand). VCF-style: chr1-6159449-C-A. GRCh37 (hg19) VCF-style: chr1-6219509-C-A.
Other names: short protein forms D92Y.
Identifiers: ClinVar variation 4998789 (VCV004998789.1).
Genomic context (GRCh38, chr1:6,159,449, plus strand): 5'-TGGCTTTTTTCTCCTTCTTGTCCTTGAGTTTCTTCTTCTTCTTTTTATTCGGGGAGTAGT[C>A]ACTGCCTTCACTCTCCGACTTCTCTTCCAGATCCTCTTCATTCTCTGATAGCTCATCATT-3'
Protein context (NP_056372.1, residues 82-102): LEEKSESEGS[Asp92Tyr]YSPNKKKKKK

ClinVar aggregate classification (germline): Uncertain significance (1 of 4 stars; one submission).

Conditions:
CHD5-related disorder. Also called: CHD5-related condition.

Submission:

PreventionGenetics, part of Exact Sciences
Classification: Uncertain significance for CHD5-related condition. Last evaluated: 2024-11-27. Review status: criteria provided, single submitter. Criteria: ACMG Guidelines, 2015. Collection method: clinical testing. Allele origin: germline.
Comment: The CHD5 c.274G>T variant is predicted to result in the amino acid substitution p.Asp92Tyr. To our knowledge, this variant has not been reported in the literature or in a large population database (gnomAD), indicating this variant is rare. At this time, the clinical significance of this variant is uncertain due to the absence of conclusive functional and genetic evidence.